The following is an entry in ClinVar:

NM_000492.4(CFTR):c.1253A>G (p.Asn418Ser)

Genes: CFTR (CF transmembrane conductance regulator; plus strand), CFTR-AS1 (CFTR antisense RNA 1; minus strand). Cytogenetic location: 7q31.2.
Variant type: single nucleotide variant.
Coding change: c.1253A>G on transcript NM_000492.4 (MANE Select); coding-DNA position 1253, A replaced by G.
Protein change: p.Asn418Ser; replaces asparagine 418 with serine.
Molecular consequence: missense variant.
Genome position (GRCh38, 1-based): chr7:117,548,684, A>G. VCF-style: chr7-117548684-A-G. GRCh37 (hg19) VCF-style: chr7-117188738-A-G.
Other names: short protein forms N418S.
Identifiers: ClinVar variation 53224 (VCV000053224.27), dbSNP rs397508185, ClinGen allele CA326446.

ClinVar aggregate classification (germline): Uncertain significance. Review status: criteria provided, multiple submitters, no conflicts (2 of 4 stars). 9 submissions from 9 submitters: Uncertain significance (8). 1 of the submissions does not count toward it. Last evaluated 2026-05-18.

Conditions:
CFTR-related disorder (CFTR-RD). Also called: CFTR-related condition; CFTR-related disorders. Identifiers: MedGen C5924204, MONDO:7770004.
Hereditary pancreatitis (PCTT). Also called: PRSS1-Related Hereditary Pancreatitis; Hereditary chronic pancreatitis. Identifiers: Orphanet 676, MedGen C0238339, MONDO:0008185, OMIM 167800.
Bronchiectasis with or without elevated sweat chloride 1 (BESC1). Also called: Cystic Fibrosis-Like Syndrome. Identifiers: Orphanet 60033, MedGen C2749757, MONDO:0008887, OMIM 211400.
Congenital bilateral aplasia of vas deferens from CFTR mutation (CBAVD). Identifiers: Orphanet 48, MedGen C0403814, MONDO:0010178, OMIM 277180. Disease mechanism: loss of function.
Cystic fibrosis (CF). Also called: MUCOVISCIDOSIS. Identifiers: Orphanet 586, MedGen C0010674, MONDO:0009061, OMIM 219700. Disease mechanism: loss of function.

Allele frequency attached by ClinVar (database versions not stated): ExAC 0.00003; gnomAD 0.00003; gnomAD exomes 0.00003 and 0.00006; TOPMed 0.00003.
gnomAD v4.1: 102 of 1,613,350 alleles (0.0063%); highest among the groups gnomAD compares: Middle Eastern, 0.016%; no homozygotes.

Submissions (9):

Women's Health and Genetics/Laboratory Corporation of America, LabCorp
Classification: Uncertain significance. Last evaluated: 2026-05-18. Review status: criteria provided, single submitter. Criteria: LabCorp Variant Classification Summary - May 2015. Collection method: clinical testing. Allele origin: germline.
Comment: Variant summary: CFTR c.1253A>G (p.Asn418Ser) results in a conservative amino acid change located in the Cystic fibrosis transmembrane conductance regulator, ATP-binding cassette domain 1 (IPR047082) of the encoded protein sequence. Algorithms developed to predict the effect of missense changes on protein structure and function all suggest that this variant is likely to be tolerated. The variant allele was found at a frequency of 2.8e-05 in 247684 control chromosomes. c.1253A>G has been observed as an uninformative genotype (zygosity and/or second variant not specified) in individuals affected with Cystic Fibrosis (Angelicheva_1997, Raraigh_2022) and in the compound heterozygous state together with F508del in two unrelated patients in the SickKids CFTR database, however it was also noted that it was reported as a polymorphism by the contributors. These reports do not provide unequivocal conclusions about association of the variant with Cystic Fibrosis. At least one publication examined the effect of the variant on RNA splicing and found that it was associated with an increase in exon skipping, although this was only a mild effect when considering the level of skipping observed for the WT allele (Pagani_2003, Aissat_2013). At least one publication reports experimental evidence evaluating an impact on protein function. The most pronounced variant effect resulted in approximately 31.30% of normal chloride channel conductance relative to wild type (Bihler_2024). The following publications have been ascertained in the context of this evaluation (PMID: 23420618, 9099843, 12732620, 34782259, 38388235). ClinVar contains an entry for this variant (Variation ID: 53224). Based on the evidence outlined above, the variant was classified as VUS-possibly pathogenic.

PreventionGenetics, part of Exact Sciences
Classification: Uncertain significance for CFTR-related condition. Last evaluated: 2025-10-27. Review status: criteria provided, single submitter. Criteria: ACMG Guidelines, 2015. Collection method: clinical testing. Allele origin: germline.
Comment: The CFTR c.1253A>G variant is predicted to result in the amino acid substitution p.Asn418Ser. This variant has been reported in two individuals with cystic fibrosis (Angelicheva et al. 1997. PubMed ID: 9099843; Table S1, Raraigh et al. 2021. PubMed ID: 34782259); however, neither study provided sufficient information to evaluate whether this variant is clinically relevant in either individual. This variant is not predicted to alter splicing based on available splicing prediction programs (SpliceAI, Jaganathan et al. 2019. PubMed ID: 30661751). Although two studies have reported an increase in exon-skipping for the p.Asn418Ser allele (Pagani et al. 2003. PubMed ID: 12732620; Aissat et al. 2013. PubMed ID: 23420618), the difference compared to wild type is very modest (≤5%) and should be considered inconclusive. On the other hand, a different in vitro study found that the p.Asn418Ser allele only retained partial chloride channel function (31.3%) relative to wild type (Table S1, Bihler et al. 2024. PubMed ID: 38388235). This variant is reported in 0.0045% of alleles in individuals of European (non-Finnish) descent in gnomAD. At this time, the clinical significance of the p.Asn418Ser variant is uncertain due to the absence of conclusive functional and genetic evidence.

Ambry Genetics
Classification: Uncertain significance for Cystic fibrosis. Last evaluated: 2025-04-23. Review status: criteria provided, single submitter. Criteria: Ambry Variant Classification Scheme 2023. Collection method: clinical testing. Allele origin: germline.
Comment: The p.N418S variant (also known as c.1253A>G), located in coding exon 10 of the CFTR gene, results from an A to G substitution at nucleotide position 1253. The asparagine at codon 418 is replaced by serine, an amino acid with highly similar properties. This amino acid position is poorly conserved in available vertebrate species. In addition, this alteration is predicted to be tolerated by in silico analysis. Based on the available evidence, the clinical significance of this variant remains unclear.

ARUP Laboratories, Molecular Genetics and Genomics, ARUP Laboratories
Classification: Uncertain significance. Last evaluated: 2025-04-04. Review status: criteria provided, single submitter. Criteria: ARUP Molecular Germline Variant Investigation Process 2024. Collection method: clinical testing. Allele origin: germline.
Comment: The CFTR c.1253A>G; p.Asn418Ser variant (rs397508185, ClinVar Variation ID: 53224) is reported in the literature in individuals affected with cystic fibrosis, but its clinical significance was not determined (Angelicheva 1997, Raraigh 2022, SickKids CFTR database). This variant is only observed on seven alleles in the Genome Aggregation Database (v2.1.1), indicating it is not a common polymorphism. Computational analyses are uncertain whether this variant is neutral or deleterious (REVEL: 0.173). Although some computational predictions suggest that the variant has a strong impact on splicing (Aissat 2013), minigene assays show only a modest effect (less than 10 percent increase in exon-skipping) (Pagani 2003). Due to limited information, the clinical significance of the p.Asn418Ser variant is uncertain at this time. References: Link to SickKids CFTR database: Aissat A et al. Combined computational-experimental analyses of CFTR exon strength uncover predictability of exon-skipping level. Hum Mutat. 2013 Jun. PMID: 23420618. Angelicheva D et al. Cystic fibrosis mutations and associated haplotypes in Bulgaria - a comparative population genetic study. Hum Genet. 1997 Apr. PMID: 9099843. Pagani F et al. Missense, nonsense, and neutral mutations define juxtaposed regulatory elements of splicing in cystic fibrosis transmembrane regulator exon 9. J Biol Chem. 2003 Jul 18. PMID: 12732620. Raraigh KS et al. Complete CFTR gene sequencing in 5,058 individuals with cystic fibrosis informs variant-specific treatment. J Cyst Fibros. 2022 May. PMID: 34782259.

Blueprint Genetics
Classification: Uncertain significance. Last evaluated: 2024-05-24. Review status: criteria provided, single submitter. Criteria: ACMG Guidelines, 2015. Collection method: clinical testing. Allele origin: germline.

Labcorp Genetics (formerly Invitae), Labcorp
Classification: Uncertain significance for Cystic fibrosis. Last evaluated: 2022-03-07. Review status: criteria provided, single submitter. Criteria: Invitae Variant Classification Sherloc (09022015). Collection method: clinical testing. Allele origin: germline.
Comment: This sequence change replaces asparagine, which is neutral and polar, with serine, which is neutral and polar, at codon 418 of the CFTR protein (p.Asn418Ser). The frequency data for this variant in the population databases is considered unreliable, as metrics indicate poor data quality at this position in the gnomAD database. This variant has not been reported in the literature in individuals affected with CFTR-related conditions. ClinVar contains an entry for this variant (Variation ID: 53224). Algorithms developed to predict the effect of missense changes on protein structure and function output the following: SIFT: "Tolerated"; PolyPhen-2: "Benign"; Align-GVGD: "Class C0". The serine amino acid residue is found in multiple mammalian species, which suggests that this missense change does not adversely affect protein function. Studies have shown that this missense change is associated with altered splicing resulting in unknown protein product impact (PMID: 12732620, 23420618). In summary, the available evidence is currently insufficient to determine the role of this variant in disease. Therefore, it has been classified as a Variant of Uncertain Significance.

Genome-Nilou Lab
Classification: Uncertain significance for Cystic fibrosis. Last evaluated: 2021-09-05. Review status: criteria provided, single submitter. Criteria: ACMG Guidelines, 2015. Collection method: clinical testing. Allele origin: germline. Affected: no.

Fulgent Genetics
Classification: Uncertain significance for Hereditary pancreatitis; Bronchiectasis with or without elevated sweat chloride 1; Cystic fibrosis; Congenital bilateral aplasia of vas deferens from CFTR mutation. Last evaluated: 2021-07-19. Review status: criteria provided, single submitter. Criteria: ACMG Guidelines, 2015. Collection method: clinical testing. Allele origin: unknown.

Natera, Inc.
Classification: Uncertain significance for CFTR-related disorders. Last evaluated: 2018-10-17. Review status: no assertion criteria provided. Collection method: clinical testing. Allele origin: germline. Not counted in ClinVar's aggregate classification.

Literature cited by the submitters: PubMed 9099843 (cited by Women's Health and Genetics/Laboratory Corporation of America, LabCorp); PubMed 23420618 (cited by 3 submitters); PubMed 12732620 (cited by Women's Health and Genetics/Laboratory Corporation of America, LabCorp and Labcorp Genetics (formerly Invitae), Labcorp); PubMed 34782259 (cited by Women's Health and Genetics/Laboratory Corporation of America, LabCorp); PubMed 38388235 (cited by Women's Health and Genetics/Laboratory Corporation of America, LabCorp).